The following is an entry in ClinVar:

NM_000222.3(KIT):c.355C>G (p.Leu119Val)

Gene: KIT (KIT proto-oncogene, receptor tyrosine kinase; plus strand). Cytogenetic location: 4q12.
Variant type: single nucleotide variant.
Coding change: c.355C>G on transcript NM_000222.3 (MANE Select); coding-DNA position 355, C replaced by G.
Protein change: p.Leu119Val; replaces leucine 119 with valine.
Molecular consequence: missense variant.
Genome position (GRCh38, 1-based): chr4:54,698,301, C>G. VCF-style: chr4-54698301-C-G. GRCh37 (hg19) VCF-style: chr4-55564467-C-G.
Other names: c.355C>G, p.Leu119Val (NM_001093772.2, NM_001385284.1, NM_001385285.1 and 4 more transcripts); short protein forms L119V.
Identifiers: ClinVar variation 458944 (VCV000458944.7), dbSNP rs1553887690, ClinGen allele CA356897409.

ClinVar aggregate classification (germline): Uncertain significance. Review status: criteria provided, multiple submitters, no conflicts (2 of 4 stars). 2 submissions from 2 submitters: Uncertain significance (2). Last evaluated 2022-05-26.

Conditions:
Gastrointestinal stromal tumor. Also called: Gastrointestinal stroma tumor; Gastrointestinal stromal tumor, somatic. Identifiers: Orphanet 44890, MedGen C0238198, MeSH D046152, MONDO:0011719, OMIM 606764, HP:0100723.

Allele frequency attached by ClinVar (database versions not stated): gnomAD exomes below 0.00001.
gnomAD v4.1: 1 of 1,613,916 alleles (0.000062%); highest among the groups gnomAD compares: Non-Finnish European, 0.000085%; no homozygotes.

Submissions (2):

GeneDx
Classification: Uncertain significance. Last evaluated: 2022-05-26. Review status: criteria provided, single submitter. Criteria: GeneDx Variant Classification Process June 2021. Collection method: clinical testing. Allele origin: germline. Affected: yes.
Comment: Not observed at significant frequency in large population cohorts (gnomAD); In silico analysis supports that this missense variant does not alter protein structure/function; Has not been previously published as pathogenic or benign to our knowledge

Labcorp Genetics (formerly Invitae), Labcorp
Classification: Uncertain significance for Gastrointestinal stromal tumor. Last evaluated: 2021-09-01. Review status: criteria provided, single submitter. Criteria: Invitae Variant Classification Sherloc (09022015). Collection method: clinical testing. Allele origin: germline.
Comment: This sequence change replaces leucine with valine at codon 119 of the KIT protein (p.Leu119Val). The leucine residue is highly conserved and there is a small physicochemical difference between leucine and valine. This variant is not present in population databases (ExAC no frequency). This variant has not been reported in the literature in individuals affected with KIT-related conditions. Algorithms developed to predict the effect of missense changes on protein structure and function are either unavailable or do not agree on the potential impact of this missense change (SIFT: "Deleterious"; PolyPhen-2: "Benign"; Align-GVGD: "Class C0"). In summary, the available evidence is currently insufficient to determine the role of this variant in disease. Therefore, it has been classified as a Variant of Uncertain Significance.